The following is an entry in ClinVar:

ClinVar aggregate classification (germline): Uncertain significance (1 of 4 stars; one submission).

Conditions:
Chédiak-Higashi syndrome (CHS). Also called: Chediak-Higashi Syndrome. Identifiers: Orphanet 167, MedGen C0007965, MONDO:0008963, OMIM 214500.

Allele frequency attached by ClinVar (database versions not stated): ExAC 0.00002; gnomAD 0.00002; TOPMed 0.00003; gnomAD exomes 0.00005.
gnomAD v4.1: 79 of 1,612,862 alleles (0.0049%); highest among the groups gnomAD compares: Non-Finnish European, 0.0066%; no homozygotes.

Submission:

Labcorp Genetics (formerly Invitae), Labcorp
Classification: Uncertain significance for Chédiak-Higashi syndrome. Last evaluated: 2022-08-05. Review status: criteria provided, single submitter. Criteria: Invitae Variant Classification Sherloc (09022015). Collection method: clinical testing. Allele origin: germline.
Comment: This sequence change replaces arginine, which is basic and polar, with cysteine, which is neutral and slightly polar, at codon 2374 of the LYST protein (p.Arg2374Cys). This variant is present in population databases (rs748978832, gnomAD 0.007%). This missense change has been observed in individual(s) with inflammatory bowel disease (PMID: 26193622). ClinVar contains an entry for this variant (Variation ID: 1510854). Algorithms developed to predict the effect of missense changes on protein structure and function are either unavailable or do not agree on the potential impact of this missense change (SIFT: "Deleterious"; PolyPhen-2: "Benign"; Align-GVGD: "Class C0"). Algorithms developed to predict the effect of sequence changes on RNA splicing suggest that this variant may create or strengthen a splice site. In summary, the available evidence is currently insufficient to determine the role of this variant in disease. Therefore, it has been classified as a Variant of Uncertain Significance.

Literature cited by the submitters: PubMed 26193622.

NM_000081.4(LYST):c.7120C>T (p.Arg2374Cys)

Gene: LYST (lysosomal trafficking regulator; minus strand). Cytogenetic location: 1q42.3.
Variant type: single nucleotide variant.
Coding change: c.7120C>T on transcript NM_000081.4 (MANE Select); coding-DNA position 7120, C replaced by T.
Protein change: p.Arg2374Cys; replaces arginine 2374 with cysteine.
Molecular consequence: missense variant.
Genome position (GRCh38, 1-based): chr1:235,755,587, G>A on the plus strand (C>T on the coding strand, the complement: LYST is on the minus strand). VCF-style: chr1-235755587-G-A. GRCh37 (hg19) VCF-style: chr1-235918887-G-A.
Other names: c.7120C>T, p.Arg2374Cys (NM_001301365.1); short protein forms R2374C.
Identifiers: ClinVar variation 1510854 (VCV001510854.3), dbSNP rs748978832, ClinGen allele CA1466220.